The following is an entry in ClinVar:

ClinVar aggregate classification (germline): Uncertain significance (1 of 4 stars; one submission).

Conditions:
RASopathy. Also called: rasopathies; Noonan spectrum disorder. Identifiers: Orphanet 536391, MedGen C5555857, MONDO:0021060.

Allele frequency attached by ClinVar (database versions not stated): ExAC 0.00001.
gnomAD v4.1: 1 of 1,613,028 alleles (0.000062%); no homozygotes.

Submission:

Labcorp Genetics (formerly Invitae), Labcorp
Classification: Uncertain significance for RASopathy. Last evaluated: 2023-08-02. Review status: criteria provided, single submitter. Criteria: Invitae Variant Classification Sherloc (09022015). Collection method: clinical testing. Allele origin: germline.
Comment: An algorithm developed to predict the effect of missense changes on protein structure and function (PolyPhen-2) suggests that this variant is likely to be tolerated. In summary, the available evidence is currently insufficient to determine the role of this variant in disease. Therefore, it has been classified as a Variant of Uncertain Significance. This variant has not been reported in the literature in individuals affected with SHOC2-related conditions. This sequence change replaces proline, which is neutral and non-polar, with arginine, which is basic and polar, at codon 16 of the SHOC2 protein (p.Pro16Arg). This variant is present in population databases (rs760154441, gnomAD 0.0009%).

NM_007373.4(SHOC2):c.47C>G (p.Pro16Arg)

Gene: SHOC2 (SHOC2 leucine rich repeat scaffold protein; plus strand). Cytogenetic location: 10q25.2.
Variant type: single nucleotide variant.
Coding change: c.47C>G on transcript NM_007373.4 (MANE Select); coding-DNA position 47, C replaced by G.
Protein change: p.Pro16Arg; replaces proline 16 with arginine.
Molecular consequence: missense variant.
Genome position (GRCh38, 1-based): chr10:110,964,405, C>G. VCF-style: chr10-110964405-C-G. GRCh37 (hg19) VCF-style: chr10-112724163-C-G.
Other names: c.47C>G, p.Pro16Arg (NM_001269039.3, NM_001324336.2, NM_001324337.2); short protein forms P16R.
Identifiers: ClinVar variation 2749309 (VCV002749309.3), dbSNP rs760154441, ClinGen allele CA5689548.